The following is an entry in ClinVar:

ClinVar aggregate classification (germline): Uncertain significance (1 of 4 stars; one submission).

Allele frequency attached by ClinVar (database versions not stated): ExAC 0.00014; gnomAD exomes 0.00015; gnomAD 0.00016 and 0.00017; TOPMed 0.00022; 1000 Genomes Project 0.00060; 1000 Genomes Project 30x 0.00078.
gnomAD v4.1: 174 of 1,612,202 alleles (0.011%); highest among the groups gnomAD compares: Admixed American, 0.045%; no homozygotes.

Submission:

Labcorp Genetics (formerly Invitae), Labcorp
Classification: Uncertain significance. Last evaluated: 2025-10-08. Review status: criteria provided, single submitter. Criteria: Invitae Variant Classification Sherloc (09022015). Collection method: clinical testing. Allele origin: germline.
Comment: This sequence change replaces isoleucine, which is neutral and non-polar, with valine, which is neutral and non-polar, at codon 249 of the TACR3 protein (p.Ile249Val). This variant is present in population databases (rs148732080, gnomAD 0.05%). This missense change has been observed in individual(s) with idiopathic hypogonadotropic hypogonadism but a second allele was not observed (PMID: 20332248). ClinVar contains an entry for this variant (Variation ID: 1394681). Invitae Evidence Modeling of protein sequence and biophysical properties (such as structural, functional, and spatial information, amino acid conservation, physicochemical variation, residue mobility, and thermodynamic stability) indicates that this missense variant is not expected to disrupt TACR3 protein function with a negative predictive value of 80%. Experimental studies have shown that this missense change does not substantially affect TACR3 function (PMID: 20332248). In summary, the available evidence is currently insufficient to determine the role of this variant in disease. Therefore, it has been classified as a Variant of Uncertain Significance.

Literature cited by the submitters: PubMed 20332248.

NM_001059.3(TACR3):c.745A>G (p.Ile249Val)

Gene: TACR3 (tachykinin receptor 3; minus strand). Cytogenetic location: 4q24.
Variant type: single nucleotide variant.
Coding change: c.745A>G on transcript NM_001059.3 (MANE Select); coding-DNA position 745, A replaced by G.
Protein change: p.Ile249Val; replaces isoleucine 249 with valine.
Molecular consequence: missense variant.
Genome position (GRCh38, 1-based): chr4:103,656,337, T>C on the plus strand (A>G on the coding strand, the complement: TACR3 is on the minus strand). VCF-style: chr4-103656337-T-C. GRCh37 (hg19) VCF-style: chr4-104577494-T-C.
Other names: short protein forms I249V.
Identifiers: ClinVar variation 1394681 (VCV001394681.5), dbSNP rs148732080, ClinGen allele CA3031058.